The following is an entry in ClinVar:

NM_000179.3(MSH6):c.3189_3192dup (p.Asn1065delinsGlyTer)

Gene: MSH6 (mutS homolog 6; plus strand). Cytogenetic location: 2p16.3.
Variant type: Duplication.
Coding change: c.3189_3192dup on transcript NM_000179.3 (MANE Select); coding-DNA positions 3189 to 3192, 4 bases duplicated (GGCT; older notation c.3189_3192dupGGCT).
Protein change: p.Asn1065delinsGlyTer.
Molecular consequence: nonsense. On other transcripts: 5 prime UTR variant (1), non-coding transcript variant (5), intron variant (1).
Genome position (GRCh38, 1-based): chr2:47,803,436-47,803,439, GGCT duplicated; duplicating any 4 consecutive bases within chr2:47,803,434-47,803,439 gives the same sequence; the c. name uses the placement nearest the transcript's 3' end. VCF-style (leftmost placement, unchanged base first): chr2-47803433-C-CCTGG. GRCh37 (hg19) VCF-style: chr2-48030572-C-CCTGG.
Other names: c.2799_2802dup, p.Asn935delinsGlyTer (NM_001281492.2); c.2283_2286dup, p.Asn763delinsGlyTer (NM_001281493.2, NM_001281494.2, NM_001406811.1 and 6 more transcripts); c.3285_3288dup, p.Asn1097delinsGlyTer (NM_001406795.1, NM_001406802.1); c.3189_3192dup, p.Asn1065delinsGlyTer (NM_001406796.1, NM_001406800.1, NM_001406808.1 and 1 more transcripts); c.2892_2895dup, p.Asn966delinsGlyTer (NM_001406797.1, NM_001406801.1, NM_001406805.1 and 10 more transcripts); c.2664_2667dup, p.Asn890delinsGlyTer (NM_001406799.1, NM_001406806.1, NM_001406807.1); c.2325_2328dup, p.Asn777delinsGlyTer (NM_001406803.1); c.3111_3114dup, p.Asn1039delinsGlyTer (NM_001406804.1); and 7 more.
Identifiers: ClinVar variation 2673785 (VCV002673785.1), dbSNP rs2530758349, ClinGen allele CA2695200647.

ClinVar aggregate classification (germline): Pathogenic (1 of 4 stars; one submission).

Conditions:
Lynch syndrome 5 (LYNCH5). Also called: Colorectal cancer, hereditary nonpolyposis, type 5; Hereditary non-polyposis colorectal cancer, type 5. Identifiers: Orphanet 144, MedGen C1833477, MONDO:0013710, OMIM 614350. Disease mechanism: loss of function.

Submission:

Myriad Genetics, Inc.
Classification: Pathogenic for Lynch syndrome 5. Last evaluated: 2023-08-22. Review status: criteria provided, single submitter. Criteria: Myriad Autosomal Dominant, Autosomal Recessive and X-Linked Classification Criteria (2023). Collection method: clinical testing. Allele origin: unknown.
Comment: This variant is considered pathogenic. This variant creates a frameshift predicted to result in premature protein truncation.